The following is an entry in ClinVar:

NM_000543.5(SMPD1):c.107_118del (p.Val36_Leu39del)

Gene: SMPD1 (sphingomyelin phosphodiesterase 1; plus strand). Cytogenetic location: 11p15.4.
Variant type: Deletion.
Coding change: c.107_118del on transcript NM_000543.5 (MANE Select); coding-DNA positions 107 to 118, 12 bases deleted (TGCTGGCGCTGG).
Protein change: p.Val36_Leu39del.
Molecular consequence: inframe deletion. On other transcripts: 5 prime UTR variant (1), non-coding transcript variant (2).
Genome position (GRCh38, 1-based): chr11:6,390,705-6,390,716, TGCTGGCGCTGG deleted; deleting any 12 consecutive bases within chr11:6,390,701-6,390,716 gives the same sequence; the c. name uses the placement nearest the transcript's 3' end. VCF-style (leftmost placement, unchanged base first): chr11-6390700-CCTGGTGCTGGCG-C. GRCh37 (hg19) VCF-style: chr11-6411930-CCTGGTGCTGGCG-C.
Other names: c.107_118del, p.Val36_Leu39del (NM_001007593.3, NM_001318087.2, NM_001365135.2); c.-855_-844del (NM_001318088.2).
Identifiers: ClinVar variation 193113 (VCV000193113.37), dbSNP rs550365194, ClinGen allele CA200324.

ClinVar aggregate classification (germline): Benign. Review status: criteria provided, multiple submitters, no conflicts (2 of 4 stars). 13 submissions from 13 submitters: Benign (8). 5 of the submissions do not count toward it. Last evaluated 2026-02-04.

Conditions:
Niemann-Pick disease, type B. Also called: Chronic Visceral ASMD (Niemann-Pick Disease Type B; NPD-B). Identifiers: Orphanet 77293, MedGen C0268243, MONDO:0011871, OMIM 607616. Disease mechanism: loss of function.
Niemann-Pick disease, type A. Also called: SPHINGOMYELIN LIPIDOSIS; SPHINGOMYELINASE DEFICIENCY; Infantile Neurovisceral ASMD (Niemann-Pick Disease Type A; NPD-A). Identifiers: Orphanet 77292, MedGen C0268242, MONDO:0009756, OMIM 257200. Disease mechanism: loss of function.

Submissions (13):

Labcorp Genetics (formerly Invitae), Labcorp
Classification: Benign for Niemann-Pick disease, type B; Niemann-Pick disease, type A. Last evaluated: 2026-02-04. Review status: criteria provided, single submitter. Criteria: Invitae Variant Classification Sherloc (09022015). Collection method: clinical testing. Allele origin: germline.

Laboratory of Genetics, Children's Clinical University Hospital Latvia
Classification: Benign. Last evaluated: 2025-02-16. Review status: criteria provided, single submitter. Criteria: ACMG Guidelines, 2015. Collection method: clinical testing. Allele origin: germline. Affected: yes.

Blueprint Genetics
Classification: Benign. Last evaluated: 2024-11-27. Review status: criteria provided, single submitter. Criteria: ACMG Guidelines, 2015. Collection method: clinical testing. Allele origin: germline.

ARUP Laboratories, Molecular Genetics and Genomics, ARUP Laboratories
Classification: Benign. Last evaluated: 2023-11-29. Review status: criteria provided, single submitter. Criteria: ARUP Molecular Germline Variant Investigation Process 2024. Collection method: clinical testing. Allele origin: germline.

Women's Health and Genetics/Laboratory Corporation of America, LabCorp
Classification: Benign. Last evaluated: 2021-12-20. Review status: criteria provided, single submitter. Criteria: LabCorp Variant Classification Summary - May 2015. Collection method: clinical testing. Allele origin: germline.
Comment: Variant summary: SMPD1 c.107_118del12 (p.Val36_Leu39del) results in an in-frame deletion that is predicted to remove four amino acids from the encoded protein. The variant allele was found at a frequency of 0.07 in 232506 control chromosomes in the gnomAD database, including 641 homozygotes. The observed variant frequency is approximately 31.45 fold of the estimated maximal expected allele frequency for a pathogenic variant in SMPD1 causing Niemann-Pick Disease Type A phenotype (0.0022), strongly suggesting that the variant is benign. Six clinical diagnostic laboratories have submitted clinical-significance assessments for this variant to ClinVar after 2014 without evidence for independent evaluation. All laboratories classified the variant as benign. Based on the evidence outlined above, the variant was classified as benign.

GeneDx
Classification: Benign. Last evaluated: 2018-06-01. Review status: criteria provided, single submitter. Criteria: GeneDx Variant Classification (06012015). Collection method: clinical testing. Allele origin: germline. Affected: yes.
Comment: This variant is considered likely benign or benign based on one or more of the following criteria: it is a conservative change, it occurs at a poorly conserved position in the protein, it is predicted to be benign by multiple in silico algorithms, and/or has population frequency not consistent with disease.

PreventionGenetics, part of Exact Sciences
Classification: Benign. Last evaluated: 2016-03-24. Review status: criteria provided, single submitter. Criteria: ACMG Guidelines, 2015. Collection method: clinical testing. Allele origin: germline.

Eurofins Ntd Llc (ga)
Classification: Benign. Last evaluated: 2015-01-22. Review status: criteria provided, single submitter. Criteria: EGL Classification Definitions 2015. Collection method: clinical testing. Allele origin: germline. Observed: 2 variant alleles, 2 heterozygotes.

Natera, Inc.
Classification: Benign for Niemann-Pick Disease, Types A/B. Last evaluated: 2017-05-06. Review status: no assertion criteria provided. Collection method: clinical testing. Allele origin: germline. Not counted in ClinVar's aggregate classification.

Mayo Clinic Laboratories, Mayo Clinic
Classification: Benign. Last evaluated: 2017-05-02. Review status: no assertion criteria provided. Collection method: clinical testing. Allele origin: unknown. Not counted in ClinVar's aggregate classification.

Clinical Genetics DNA and cytogenetics Diagnostics Lab, Erasmus MC, Erasmus Medical Center
Classification: Benign. Review status: no assertion criteria provided. Collection method: clinical testing. Allele origin: germline. Affected: yes. Study: VKGL Data-share Consensus. Not counted in ClinVar's aggregate classification.

Diagnostic Laboratory, Department of Genetics, University Medical Center Groningen
Classification: Benign. Review status: no assertion criteria provided. Collection method: clinical testing. Allele origin: germline. Affected: yes. Study: VKGL Data-share Consensus. Not counted in ClinVar's aggregate classification.

Genome Diagnostics Laboratory, University Medical Center Utrecht
Classification: Benign. Review status: no assertion criteria provided. Collection method: clinical testing. Allele origin: germline. Affected: yes. Study: VKGL Data-share Consensus. Not counted in ClinVar's aggregate classification.